The following is an entry in ClinVar:

NM_001171.6(ABCC6):c.3836C>T (p.Pro1279Leu)

Gene: ABCC6 (ATP binding cassette subfamily C member 6; minus strand). Cytogenetic location: 16p13.11.
Variant type: single nucleotide variant.
Coding change: c.3836C>T on transcript NM_001171.6 (MANE Select); coding-DNA position 3836, C replaced by T.
Protein change: p.Pro1279Leu; replaces proline 1279 with leucine.
Molecular consequence: missense variant. On other transcripts: non-coding transcript variant (1).
Genome position (GRCh38, 1-based): chr16:16,157,709, G>A on the plus strand (C>T on the coding strand, the complement: ABCC6 is on the minus strand). VCF-style: chr16-16157709-G-A. GRCh37 (hg19) VCF-style: chr16-16251566-G-A.
Other names: c.3494C>T, p.Pro1165Leu (NM_001351800.1); short protein forms P1165L, P1279L.
Identifiers: ClinVar variation 1487246 (VCV001487246.5), dbSNP rs77913024, ClinGen allele CA7925409.

ClinVar aggregate classification (germline): Uncertain significance. Review status: criteria provided, multiple submitters, no conflicts (2 of 4 stars). 2 submissions from 2 submitters: Uncertain significance (2). Last evaluated 2024-11-13.

Conditions:
Arterial calcification, generalized, of infancy, 2. Identifiers: Orphanet 51608, MedGen C3276161, MONDO:0013768, OMIM 614473.
Autosomal recessive inherited pseudoxanthoma elasticum (PXE). Identifiers: Orphanet 758, MedGen CN032334, MONDO:0009925, OMIM 264800.
Pseudoxanthoma elasticum, forme fruste. Also called: Pseudoxanthoma Elasticum, Incomplete; PSEUDOXANTHOMA ELASTICUM, HETEROZYGOUS. Identifiers: Orphanet 758, MedGen C1867450, MONDO:0008333, OMIM 177850.

Allele frequency attached by ClinVar (database versions not stated): gnomAD exomes 0.00004 and 0.00002; gnomAD 0.00006; 1000 Genomes Project 0.00020; ExAC 0.00004; ESP Exome Variant Server 0.00008; TOPMed 0.00005.
gnomAD v4.1: 35 of 1,613,980 alleles (0.0022%); highest among the groups gnomAD compares: African/African-American, 0.017%; no homozygotes.

Submissions (2):

Labcorp Genetics (formerly Invitae), Labcorp
Classification: Uncertain significance. Last evaluated: 2024-11-13. Review status: criteria provided, single submitter. Criteria: Invitae Variant Classification Sherloc (09022015). Collection method: clinical testing. Allele origin: germline.
Comment: This sequence change replaces proline, which is neutral and non-polar, with leucine, which is neutral and non-polar, at codon 1279 of the ABCC6 protein (p.Pro1279Leu). This variant is present in population databases (rs77913024, gnomAD 0.02%). This variant has not been reported in the literature in individuals affected with ABCC6-related conditions. ClinVar contains an entry for this variant (Variation ID: 1487246). An algorithm developed to predict the effect of missense changes on protein structure and function outputs the following: PolyPhen-2: "Benign". The leucine amino acid residue is found in multiple mammalian species, which suggests that this missense change does not adversely affect protein function. In summary, the available evidence is currently insufficient to determine the role of this variant in disease. Therefore, it has been classified as a Variant of Uncertain Significance.

Fulgent Genetics
Classification: Uncertain significance for Pseudoxanthoma elasticum, forme fruste; Autosomal recessive inherited pseudoxanthoma elasticum; Arterial calcification, generalized, of infancy, 2. Last evaluated: 2022-05-10. Review status: criteria provided, single submitter. Criteria: ACMG Guidelines, 2015. Collection method: clinical testing. Allele origin: unknown.